The following is an entry in ClinVar:

ClinVar aggregate classification (germline): Uncertain significance. Review status: criteria provided, multiple submitters, no conflicts (2 of 4 stars). 4 submissions from 4 submitters: Uncertain significance (4). Last evaluated 2025-03-14.

Conditions:
Hereditary cancer-predisposing syndrome. Also called: Neoplastic Syndromes, Hereditary; Tumor predisposition; Hereditary Cancer Syndrome; Hereditary neoplastic syndrome. Identifiers: Orphanet 140162, MedGen C0027672, MeSH D009386, MONDO:0015356.
Hereditary breast ovarian cancer syndrome. Also called: Breast and ovarian cancer; Hereditary breast and ovarian cancer; Hereditary breast and/or ovarian cancer syndrome; BRCA1- and BRCA2-Associated Hereditary Breast and Ovarian Cancer; Hereditary breast and ovarian cancer syndrome; Hereditary breast and ovarian cancer syndrome (HBOC). Identifiers: Orphanet 145, MedGen C0677776, MeSH D061325, MONDO:0003582. Disease mechanism: loss of function.
Familial cancer of breast. Also called: BREAST CANCER, FAMILIAL; Hereditary breast cancer; hereditary breast carcinoma. Identifiers: Orphanet 227535, MedGen C0346153, MONDO:0016419, OMIM 114480. Disease mechanism: loss of function.

Allele frequency attached by ClinVar (database versions not stated): 1000 Genomes Project 30x 0.00016; 1000 Genomes Project 0.00020.
gnomAD v4.1: 1 of 1,614,158 alleles (0.000062%); highest among the groups gnomAD compares: Admixed American, 0.0017%; no homozygotes.

Submissions (4):

Ambry Genetics
Classification: Uncertain significance for Hereditary cancer-predisposing syndrome. Last evaluated: 2025-03-14. Review status: criteria provided, single submitter. Criteria: Ambry Variant Classification Scheme 2023. Collection method: clinical testing. Allele origin: germline.
Comment: The p.A3345T variant (also known as c.10033G>A), located in coding exon 26 of the BRCA2 gene, results from a G to A substitution at nucleotide position 10033. The alanine at codon 3345 is replaced by threonine, an amino acid with similar properties. This amino acid position is highly conserved in available vertebrate species. In addition, this alteration is predicted to be tolerated by in silico analysis. Based on the available evidence, the clinical significance of this variant remains unclear.

Labcorp Genetics (formerly Invitae), Labcorp
Classification: Uncertain significance for Hereditary breast ovarian cancer syndrome. Last evaluated: 2024-08-15. Review status: criteria provided, single submitter. Criteria: Invitae Variant Classification Sherloc (09022015). Collection method: clinical testing. Allele origin: germline.
Comment: This sequence change replaces alanine, which is neutral and non-polar, with threonine, which is neutral and polar, at codon 3345 of the BRCA2 protein (p.Ala3345Thr). This variant is not present in population databases (gnomAD no frequency). This variant has not been reported in the literature in individuals affected with BRCA2-related conditions. ClinVar contains an entry for this variant (Variation ID: 141567). Invitae Evidence Modeling of protein sequence and biophysical properties (such as structural, functional, and spatial information, amino acid conservation, physicochemical variation, residue mobility, and thermodynamic stability) indicates that this missense variant is not expected to disrupt BRCA2 protein function with a negative predictive value of 95%. In summary, the available evidence is currently insufficient to determine the role of this variant in disease. Therefore, it has been classified as a Variant of Uncertain Significance.

Baylor Genetics
Classification: Uncertain significance for Familial cancer of breast. Last evaluated: 2023-11-14. Review status: criteria provided, single submitter. Criteria: ACMG Guidelines, 2015. Collection method: clinical testing. Allele origin: unknown.

Quest Diagnostics Nichols Institute San Juan Capistrano
Classification: Uncertain significance. Last evaluated: 2019-01-28. Review status: criteria provided, single submitter. Criteria: Quest Diagnostics criteria. Collection method: clinical testing. Allele origin: germline.

Literature cited by the submitters: PubMed 28706299 (cited by Quest Diagnostics Nichols Institute San Juan Capistrano).

NM_000059.4(BRCA2):c.10033G>A (p.Ala3345Thr)

Gene: BRCA2 (BRCA2 DNA repair associated; plus strand). Cytogenetic location: 13q13.1.
Variant type: single nucleotide variant.
Coding change: c.10033G>A on transcript NM_000059.4 (MANE Select); coding-DNA position 10033, G replaced by A.
Protein change: p.Ala3345Thr; replaces alanine 3345 with threonine.
Molecular consequence: missense variant.
Genome position (GRCh38, 1-based): chr13:32,398,546, G>A. VCF-style: chr13-32398546-G-A. GRCh37 (hg19) VCF-style: chr13-32972683-G-A.
Other names: short protein forms A3345T.
Identifiers: ClinVar variation 141567 (VCV000141567.11), dbSNP rs546597661, ClinGen allele CA010080.
Genomic context (GRCh38, chr13:32,398,546, plus strand): 5'-TTTAAAAAATTCAATGAAATTTCTCTTTTGGAAAGTAATTCAATAGCTGACGAAGAACTT[G>A]CATTGATAAATACCCAAGCTCTTTTGTCTGGTTCAACAGGAGAAAAACAATTTATATCTG-3'
Protein context (NP_000050.3, residues 3335-3355): ESNSIADEEL[Ala3345Thr]LINTQALLSG